The following is an entry in ClinVar:

ClinVar aggregate classification (germline): Uncertain significance (1 of 4 stars; one submission).

Conditions:
Inborn genetic diseases. Identifiers: MedGen C0950123, MeSH D030342.

Submission:

Ambry Genetics
Classification: Uncertain significance for Inborn genetic diseases. Last evaluated: 2026-04-30. Review status: criteria provided, single submitter. Criteria: Ambry Variant Classification Scheme 2023. Collection method: clinical testing. Allele origin: germline.
Comment: The p.R1050K variant (also known as c.3149G>A), located in coding exon 14 of the MECOM gene, results from a G to A substitution at nucleotide position 3149. The arginine at codon 1050 is replaced by lysine, an amino acid with highly similar properties. This amino acid position is conserved. In addition, this alteration is predicted to be tolerated by in silico analysis. Based on the available evidence, the clinical significance of this variant remains unclear.

NM_004991.4(MECOM):c.3149G>A (p.Arg1050Lys)

Gene: MECOM (MDS1 and EVI1 complex locus; minus strand). Cytogenetic location: 3q26.2.
Variant type: single nucleotide variant.
Coding change: c.3149G>A on transcript NM_004991.4 (MANE Select); coding-DNA position 3149, G replaced by A.
Protein change: p.Arg1050Lys; replaces arginine 1050 with lysine.
Molecular consequence: missense variant.
Genome position (GRCh38, 1-based): chr3:169,092,973, C>T on the plus strand (G>A on the coding strand, the complement: MECOM is on the minus strand). VCF-style: chr3-169092973-C-T. GRCh37 (hg19) VCF-style: chr3-168810761-C-T.
Other names: c.1586G>A, p.Arg529Lys (NM_001366474.2); c.2585G>A, p.Arg862Lys (NM_005241.4, NM_001205194.2, NM_001366469.2 and 1 more transcripts); c.2558G>A, p.Arg853Lys (NM_001164000.2, NM_001366471.2, NM_001366472.2); c.3122G>A, p.Arg1041Lys (NM_001366466.2); c.2588G>A, p.Arg863Lys (NM_001366467.2, NM_001366468.2); c.2561G>A, p.Arg854Lys (NM_001366470.2, NM_001163999.2); c.2150G>A, p.Arg717Lys (NM_001366473.2); c.2780G>A, p.Arg927Lys (NM_001105077.4); short protein forms R1041K, R1050K, R529K, R717K, R853K, R854K, R862K, R863K.
Identifiers: ClinVar variation 4859765 (VCV004859765.1).